The following is an entry in ClinVar:

NM_000268.3(NF2):c.-3677_4del

Genes: NF2 (NF2, moesin-ezrin-radixin like (MERLIN) tumor suppressor; plus strand), LOC130067183 (ATAC-STARR-seq lymphoblastoid active region 18817; plus strand), LOC130067184 (ATAC-STARR-seq lymphoblastoid silent region 13595; plus strand). Cytogenetic location: 22q12.2.
Variant type: Deletion.
Coding change: c.-3677_4del on transcript NM_000268.3; 3677 bases upstream of the start codon through coding-DNA position 4, 3,681 bases deleted.
Genome position (GRCh38, 1-based): chr22:29,600,322-29,604,002, 3,681 bases deleted. GRCh37 (hg19): chr22:29,996,311-29,999,991.
Identifiers: ClinVar variation 967709 (VCV000967709.3), ClinGen allele CA1139667010.

ClinVar aggregate classification (germline): Pathogenic (1 of 4 stars; one submission).

Conditions:
Neurofibromatosis, type 2 (SWNV). Also called: NF2-Related Schwannomatosis; SCHWANNOMATOSIS, VESTIBULAR; BILATERAL ACOUSTIC NEUROFIBROMATOSIS. Identifiers: Orphanet 637, MedGen C0027832, MONDO:0007039, OMIM 101000. Disease mechanism: loss of function.

Submission:

Labcorp Genetics (formerly Invitae), Labcorp
Classification: Pathogenic for Neurofibromatosis, type 2. Last evaluated: 2019-11-27. Review status: criteria provided, single submitter. Criteria: Invitae Variant Classification Sherloc (09022015). Collection method: clinical testing. Allele origin: germline.
Comment: This variant is a gross deletion of the genomic region encompassing part of exon 1 of the NF2 gene, which includes the initiator codon (c.-3677_3delinsC). This is expected to result in an absent or disrupted protein product. This variant has not been reported in the literature in individuals with NF2-related conditions. Loss-of-function variants in NF2 are known to be pathogenic (PMID: 9643284, 16983642). For these reasons, this variant has been classified as Pathogenic.